The following is an entry in ClinVar:

ClinVar aggregate classification (germline): Uncertain significance. Review status: criteria provided, multiple submitters, no conflicts (2 of 4 stars). 3 submissions from 3 submitters: Uncertain significance (3). Last evaluated 2025-04-09.

Conditions:
Cardiomyopathy (CMYO). Also called: Cardiomyopathies. Identifiers: Orphanet 167848, MedGen C0878544, MONDO:0004994, HP:0001638. Inheritance: Various modes of inheritance.
Cardiovascular phenotype. Identifiers: MedGen CN230736.
Arrhythmogenic right ventricular dysplasia 8 (ARVD8). Also called: ARRHYTHMOGENIC RIGHT VENTRICULAR CARDIOMYOPATHY 8; Arrhythmogenic Right Ventricular Dysplasia/Cardiomyopathy 8; ARRHYTHMOGENIC RIGHT VENTRICULAR DYSPLASIA, FAMILIAL, 8. Identifiers: MedGen C1843896, MONDO:0011831, OMIM 607450.
Arrhythmogenic cardiomyopathy with wooly hair and keratoderma. Also called: Carvajal syndrome; PALMOPLANTAR KERATODERMA WITH LEFT VENTRICULAR CARDIOMYOPATHY AND WOOLLY HAIR; Dilated cardiomyopathy with woolly hair and keratoderma; Arrhythmogenic cardiomyopathy with woolly hair and keratoderma. Identifiers: Orphanet 65282, MedGen C1854063, MONDO:0011581, OMIM 605676.

Allele frequency attached by ClinVar (database versions not stated): gnomAD exomes below 0.00001 and 0.00001; ExAC 0.00001; gnomAD 0.00001.

Submissions (3):

Color Diagnostics, LLC DBA Color Health
Classification: Uncertain significance for Cardiomyopathy. Last evaluated: 2025-04-09. Review status: criteria provided, single submitter. Criteria: ACMG Guidelines, 2015. Collection method: clinical testing. Allele origin: germline.
Comment: This missense variant replaces methionine with threonine at codon 1020 of the DSP protein. Computational prediction suggests that this variant may not impact protein structure and function. To our knowledge, functional studies have not been reported for this variant. This variant has not been reported in individuals affected with DSP-related disorders in the literature. This variant has been identified in 1/251332 chromosomes in the general population by the Genome Aggregation Database (gnomAD). The available evidence is insufficient to determine the role of this variant in disease conclusively. Therefore, this variant is classified as a Variant of Uncertain Significance.

Labcorp Genetics (formerly Invitae), Labcorp
Classification: Uncertain significance for Arrhythmogenic cardiomyopathy with wooly hair and keratoderma; Arrhythmogenic right ventricular dysplasia 8. Last evaluated: 2023-11-17. Review status: criteria provided, single submitter. Criteria: Invitae Variant Classification Sherloc (09022015). Collection method: clinical testing. Allele origin: germline.
Comment: This sequence change replaces methionine, which is neutral and non-polar, with threonine, which is neutral and polar, at codon 1020 of the DSP protein (p.Met1020Thr). This variant is present in population databases (rs773331618, gnomAD 0.0009%). This variant has not been reported in the literature in individuals affected with DSP-related conditions. ClinVar contains an entry for this variant (Variation ID: 627725). An algorithm developed to predict the effect of missense changes on protein structure and function (PolyPhen-2) suggests that this variant¬¨‚Ä†is likely to be tolerated. In summary, the available evidence is currently insufficient to determine the role of this variant in disease. Therefore, it has been classified as a Variant of Uncertain Significance.

Ambry Genetics
Classification: Uncertain significance for Cardiovascular phenotype. Last evaluated: 2023-06-14. Review status: criteria provided, single submitter. Criteria: Ambry Variant Classification Scheme 2023. Collection method: clinical testing. Allele origin: germline.
Comment: The p.M1020T variant (also known as c.3059T>C), located in coding exon 22 of the DSP gene, results from a T to C substitution at nucleotide position 3059. The methionine at codon 1020 is replaced by threonine, an amino acid with similar properties. This amino acid position is conserved. In addition, this alteration is predicted to be deleterious by in silico analysis. Since supporting evidence is limited at this time, the clinical significance of this alteration remains unclear.

NM_004415.4(DSP):c.3059T>C (p.Met1020Thr)

Gene: DSP (desmoplakin; plus strand). Cytogenetic location: 6p24.3.
Variant type: single nucleotide variant.
Coding change: c.3059T>C on transcript NM_004415.4 (MANE Select); coding-DNA position 3059, T replaced by C.
Protein change: p.Met1020Thr; replaces methionine 1020 with threonine.
Molecular consequence: missense variant.
Genome position (GRCh38, 1-based): chr6:7,578,537, T>C. VCF-style: chr6-7578537-T-C. GRCh37 (hg19) VCF-style: chr6-7578770-T-C.
Other names: c.3059T>C (LRG_423t1); c.3059T>C, p.Met1020Thr (NM_001008844.3, NM_001319034.2); short protein forms M1020T.
Identifiers: ClinVar variation 627725 (VCV000627725.17), dbSNP rs773331618, ClinGen allele CA036778.